The following is an entry in ClinVar:

ClinVar aggregate classification (germline): Uncertain significance (1 of 4 stars; one submission).

Submission:

Labcorp Genetics (formerly Invitae), Labcorp
Classification: Uncertain significance. Last evaluated: 2024-02-26. Review status: criteria provided, single submitter. Criteria: Invitae Variant Classification Sherloc (09022015). Collection method: clinical testing. Allele origin: germline.
Comment: This sequence change replaces glutamic acid, which is acidic and polar, with aspartic acid, which is acidic and polar, at codon 379 of the MECOM protein (p.Glu379Asp). This variant is not present in population databases (gnomAD no frequency). This variant has not been reported in the literature in individuals affected with MECOM-related conditions. ClinVar contains an entry for this variant (Variation ID: 2018388). An algorithm developed to predict the effect of missense changes on protein structure and function (PolyPhen-2) suggests that this variant is likely to be tolerated. In summary, the available evidence is currently insufficient to determine the role of this variant in disease. Therefore, it has been classified as a Variant of Uncertain Significance.

NM_004991.4(MECOM):c.1701G>C (p.Glu567Asp)

Gene: MECOM (MDS1 and EVI1 complex locus; minus strand). Cytogenetic location: 3q26.2.
Variant type: single nucleotide variant.
Coding change: c.1701G>C on transcript NM_004991.4 (MANE Select); coding-DNA position 1701, G replaced by C.
Protein change: p.Glu567Asp; replaces glutamic acid 567 with aspartic acid.
Molecular consequence: missense variant. On other transcripts: intron variant (2).
Genome position (GRCh38, 1-based): chr3:169,116,171, C>G on the plus strand (G>C on the coding strand, the complement: MECOM is on the minus strand). VCF-style: chr3-169116171-C-G. GRCh37 (hg19) VCF-style: chr3-168833959-C-G.
Other names: c.1332G>C, p.Glu444Asp (NM_001105077.4); c.1137G>C, p.Glu379Asp (NM_001105078.4, NM_001164000.2, NM_001205194.2 and 4 more transcripts); c.1140G>C, p.Glu380Asp (NM_001163999.2, NM_001366467.2, NM_001366468.2 and 1 more transcripts); c.1701G>C, p.Glu567Asp (NM_001366466.2); c.1133-404G>C (NM_001366473.2); c.569-404G>C (NM_001366474.2); short protein forms E379D, E380D, E444D, E567D.
Identifiers: ClinVar variation 2018388 (VCV002018388.4), dbSNP rs2149078428, ClinGen allele CA355061617.